The following is an entry in ClinVar:

NM_000032.5(ALAS2):c.1273C>T (p.Pro425Ser)

Gene: ALAS2 (5'-aminolevulinate synthase 2; minus strand). Cytogenetic location: Xp11.21.
Variant type: single nucleotide variant.
Coding change: c.1273C>T on transcript NM_000032.5 (MANE Select); coding-DNA position 1273, C replaced by T.
Protein change: p.Pro425Ser; replaces proline 425 with serine.
Molecular consequence: missense variant.
Genome position (GRCh38, 1-based): chrX:55,014,911, G>A on the plus strand (C>T on the coding strand, the complement: ALAS2 is on the minus strand). VCF-style: chrX-55014911-G-A. GRCh37 (hg19) VCF-style: chrX-55041344-G-A.
Other names: c.1162C>T, p.Pro388Ser (NM_001037967.4); c.1234C>T, p.Pro412Ser (NM_001037968.4); short protein forms P388S, P412S, P425S.
Identifiers: ClinVar variation 3253016 (VCV003253016.1), dbSNP rs1350671858.

ClinVar aggregate classification (germline): Uncertain significance (1 of 4 stars; one submission).

Allele frequency attached by ClinVar (database versions not stated): gnomAD 0.00001; gnomAD exomes 0.00001; TOPMed 0.00001.
gnomAD v4.1: 4 of 1,207,135 alleles (0.00033%); highest among the groups gnomAD compares: Admixed American, 0.0044%; no homozygotes.

Submission:

GeneDx
Classification: Uncertain significance. Last evaluated: 2024-06-18. Review status: criteria provided, single submitter. Criteria: GeneDx Variant Classification Process June 2021. Collection method: clinical testing. Allele origin: germline. Affected: yes.
Comment: Has not been previously published as pathogenic or benign to our knowledge; In silico analysis supports that this missense variant has a deleterious effect on protein structure/function